The following is an entry in ClinVar:

NM_001142800.2(EYS):c.2930A>G (p.Asp977Gly)

Gene: EYS (EGF-like photoreceptor maintenance factor; minus strand). Cytogenetic location: 6q12.
Variant type: single nucleotide variant.
Coding change: c.2930A>G on transcript NM_001142800.2 (MANE Select); coding-DNA position 2930, A replaced by G.
Protein change: p.Asp977Gly; replaces aspartic acid 977 with glycine.
Molecular consequence: missense variant.
Genome position (GRCh38, 1-based): chr6:64,886,759, T>C on the plus strand (A>G on the coding strand, the complement: EYS is on the minus strand). VCF-style: chr6-64886759-T-C. GRCh37 (hg19) VCF-style: chr6-65596652-T-C.
Other names: c.2930A>G, p.Asp977Gly (NM_001292009.2); short protein forms D977G.
Identifiers: ClinVar variation 1431780 (VCV001431780.8), dbSNP rs1459465709, ClinGen allele CA364788734.

ClinVar aggregate classification (germline): Uncertain significance (1 of 4 stars; one submission).

Allele frequency attached by ClinVar (database versions not stated): gnomAD 0.00001.
gnomAD v4.1: 5 of 1,547,930 alleles (0.00032%); highest among the groups gnomAD compares: South Asian, 0.006%; no homozygotes.

Submission:

Labcorp Genetics (formerly Invitae), Labcorp
Classification: Uncertain significance. Last evaluated: 2021-01-19. Review status: criteria provided, single submitter. Criteria: Invitae Variant Classification Sherloc (09022015). Collection method: clinical testing. Allele origin: germline.
Comment: This sequence change replaces aspartic acid with glycine at codon 977 of the EYS protein (p.Asp977Gly). The aspartic acid residue is moderately conserved and there is a moderate physicochemical difference between aspartic acid and glycine. This variant is not present in population databases (ExAC no frequency). This variant has not been reported in the literature in individuals with EYS-related conditions. Algorithms developed to predict the effect of missense changes on protein structure and function (SIFT, PolyPhen-2, Align-GVGD) all suggest that this variant is likely to be tolerated, but these predictions have not been confirmed by published functional studies and their clinical significance is uncertain. Algorithms developed to predict the effect of sequence changes on RNA splicing suggest that this variant may create or strengthen a splice site, but this prediction has not been confirmed by published transcriptional studies. In summary, the available evidence is currently insufficient to determine the role of this variant in disease. Therefore, it has been classified as a Variant of Uncertain Significance.